The following is an entry in ClinVar:

ClinVar aggregate classification (germline): Pathogenic (1 of 4 stars; one submission).

Conditions:
Glycogen storage disease, type II (IOPD). Also called: GLYCOGENOSIS, GENERALIZED, CARDIAC FORM; GSD II; Glycogen storage disease type 2; Acid maltase deficiency disease; Aglucosidase alfa; Deficiency of alpha-glucosidase. Identifiers: Orphanet 365, MedGen C0017921, MONDO:0009290, OMIM 232300.

Submission:

Labcorp Genetics (formerly Invitae), Labcorp
Classification: Pathogenic for Glycogen storage disease, type II. Last evaluated: 2025-07-06. Review status: criteria provided, single submitter. Criteria: Invitae Variant Classification Sherloc (09022015). Collection method: clinical testing. Allele origin: germline.
Comment: This sequence change creates a premature translational stop signal (p.Leu239Cysfs*29) in the GAA gene. It is expected to result in an absent or disrupted protein product. Loss-of-function variants in GAA are known to be pathogenic (PMID: 18425781, 22252923). This variant is not present in population databases (gnomAD no frequency). This variant has not been reported in the literature in individuals affected with GAA-related conditions. For these reasons, this variant has been classified as Pathogenic.

Literature cited by the submitters: PubMed 18425781; PubMed 22252923.

NM_000152.5(GAA):c.715del (p.Leu239fs)

Gene: GAA (alpha glucosidase; plus strand). Cytogenetic location: 17q25.3.
Variant type: Deletion.
Coding change: c.715del on transcript NM_000152.5 (MANE Select); coding-DNA position 715, one base deleted (C; older notation c.715delC).
Protein change: p.Leu239fs; shifts the reading frame from leucine 239.
Molecular consequence: frameshift variant.
Genome position (GRCh38, 1-based): chr17:80,107,579, C deleted; the last of 4 consecutive C bases (chr17:80,107,576-80,107,579); deleting any one gives the same sequence. VCF-style (leftmost placement, unchanged base first): chr17-80107575-GC-G. GRCh37 (hg19) VCF-style: chr17-78081374-GC-G.
Other names: c.715del, p.Leu239fs (NM_001079803.3, NM_001079804.3, NM_001406741.1 and 1 more transcripts); short protein forms L239fs.
Identifiers: ClinVar variation 4722750 (VCV004722750.1).